The following is an entry in ClinVar:

ClinVar aggregate classification (germline): Uncertain significance. Review status: criteria provided, single submitter (1 of 4 stars). 2 submissions from 2 submitters: Uncertain significance (1). 1 of the submissions does not count toward it. Last evaluated 2025-01-05.

Submissions (2):

GeneDx
Classification: Uncertain significance. Last evaluated: 2025-01-05. Review status: criteria provided, single submitter. Criteria: GeneDx Variant Classification Process June 2021. Collection method: clinical testing. Allele origin: germline. Affected: yes.
Comment: Not observed at significant frequency in large population cohorts (gnomAD); In silico analysis supports that this missense variant has a deleterious effect on protein structure/function; Has not been previously published as pathogenic or benign to our knowledge

Genetics and Genomic Medicine Centre, NeuroGen Healthcare, NeuroGen Healthcare
Classification: Likely pathogenic. Last evaluated: 2022-04-28. Review status: no assertion criteria provided. Collection method: clinical testing. Allele origin: unknown. Affected: yes. Not counted in ClinVar's aggregate classification.

NM_022455.5(NSD1):c.6035A>G (p.Lys2012Arg)

Gene: NSD1 (nuclear receptor binding SET domain protein 1; plus strand). Cytogenetic location: 5q35.3.
Variant type: single nucleotide variant.
Coding change: c.6035A>G on transcript NM_022455.5 (MANE Select); coding-DNA position 6035, A replaced by G.
Protein change: p.Lys2012Arg; replaces lysine 2012 with arginine.
Molecular consequence: missense variant. On other transcripts: intron variant (1).
Genome position (GRCh38, 1-based): chr5:177,283,812, A>G. VCF-style: chr5-177283812-A-G. GRCh37 (hg19) VCF-style: chr5-176710813-A-G.
Other names: c.5162A>G, p.Lys1721Arg (NM_001365684.2, NM_001409308.1, NM_172349.5); c.6035A>G, p.Lys2012Arg (NM_001409301.1, NM_001409302.1, NM_001409303.1); c.5615A>G, p.Lys1872Arg (NM_001409304.1); c.5282A>G, p.Lys1761Arg (NM_001409305.1); c.5273A>G, p.Lys1758Arg (NM_001409306.1, NM_001409307.1); c.5136+1231A>G (NM_001409309.1); short protein forms K1721R, K1758R, K1761R, K1872R, K2012R.
Identifiers: ClinVar variation 2664655 (VCV002664655.3), dbSNP rs2480793400.